The following is an entry in ClinVar:

NM_015215.4(CAMTA1):c.946A>G (p.Ser316Gly)

Gene: CAMTA1 (calmodulin binding transcription activator 1; plus strand). Cytogenetic location: 1p36.23.
Variant type: single nucleotide variant.
Coding change: c.946A>G on transcript NM_015215.4 (MANE Select); coding-DNA position 946, A replaced by G.
Protein change: p.Ser316Gly; replaces serine 316 with glycine.
Molecular consequence: missense variant.
Genome position (GRCh38, 1-based): chr1:7,663,493, A>G. VCF-style: chr1-7663493-A-G. GRCh37 (hg19) VCF-style: chr1-7723553-A-G.
Other names: c.856A>G, p.Ser286Gly (NM_001349608.2, NM_001349612.2); c.946A>G, p.Ser316Gly (NM_001349609.2, NM_001349610.2, NM_001410737.1); c.874A>G, p.Ser292Gly (NM_001410738.1); short protein forms S292G, S316G, S286G.
Identifiers: ClinVar variation 1984836 (VCV001984836.29), dbSNP rs752011665, ClinGen allele CA566337.
Genomic context (GRCh38, chr1:7,663,493, plus strand): 5'-GGGTACGGGAGCCACTCGGAGGTGCAGCACAATGACGTGTCGGAGGGCAAGCACGAGCAC[A>G]GCCACAGCAAGGGCTCCAGCCGTGAGAAGAGGAACGGCAAGGTGGCCAAGCCCGTGCTCC-3'
Protein context (NP_056030.1, residues 306-326): NDVSEGKHEH[Ser316Gly]HSKGSSREKR

ClinVar aggregate classification (germline): Conflicting classifications of pathogenicity. Review status: criteria provided, conflicting classifications (1 of 4 stars). 3 submissions from 3 submitters: Uncertain significance (2); Likely benign (1). Last evaluated 2026-04-01.

Allele frequency attached by ClinVar (database versions not stated): gnomAD 0.00001; gnomAD exomes 0.00001; ExAC 0.00002.
gnomAD v4.1: 32 of 1,599,378 alleles (0.002%); highest among the groups gnomAD compares: Middle Eastern, 0.05%; no homozygotes.

Submissions (3):

CeGaT Center for Human Genetics Tuebingen
Classification: Likely benign. Last evaluated: 2026-04-01. Review status: criteria provided, single submitter. Criteria: CeGaT Center For Human Genetics Tuebingen Variant Classification Criteria Version 2. Collection method: clinical testing. Allele origin: germline. Affected: yes. Observed: 4 variant alleles.
Comment: CAMTA1: BP4

Labcorp Genetics (formerly Invitae), Labcorp
Classification: Uncertain significance. Last evaluated: 2024-02-14. Review status: criteria provided, single submitter. Criteria: Invitae Variant Classification Sherloc (09022015). Collection method: clinical testing. Allele origin: germline.
Comment: This sequence change replaces serine, which is neutral and polar, with glycine, which is neutral and non-polar, at codon 316 of the CAMTA1 protein (p.Ser316Gly). This variant is present in population databases (rs752011665, gnomAD 0.02%). This variant has not been reported in the literature in individuals affected with CAMTA1-related conditions. ClinVar contains an entry for this variant (Variation ID: 1984836). Algorithms developed to predict the effect of missense changes on protein structure and function output the following: SIFT: "Not Available"; PolyPhen-2: "Benign"; Align-GVGD: "Not Available". The glycine amino acid residue is found in multiple mammalian species, which suggests that this missense change does not adversely affect protein function. In summary, the available evidence is currently insufficient to determine the role of this variant in disease. Therefore, it has been classified as a Variant of Uncertain Significance.

Clinical Genetics Laboratory, Skane University Hospital Lund
Classification: Uncertain significance. Last evaluated: 2023-02-20. Review status: criteria provided, single submitter. Criteria: ACMG Guidelines, 2015. Collection method: clinical testing. Allele origin: germline. Affected: yes.